The following is an entry in ClinVar:

ClinVar aggregate classification (germline): Benign/Likely benign. Review status: criteria provided, multiple submitters, no conflicts (2 of 4 stars). 3 submissions from 3 submitters: Benign (1); Likely benign (2). Last evaluated 2026-01-28.

Conditions:
Dilated cardiomyopathy 1O (CMD1O). Also called: CARDIOMYOPATHY, DILATED, WITH VENTRICULAR TACHYCARDIA. Identifiers: Orphanet 154, MedGen C1837839, MONDO:0012062, OMIM 608569.

Allele frequency attached by ClinVar (database versions not stated): gnomAD exomes 0.00002 and 0.00004; ExAC 0.00003; gnomAD 0.00013 and 0.00017; ESP Exome Variant Server 0.00015; TOPMed 0.00020.
gnomAD v4.1: 45 of 1,605,254 alleles (0.0028%); highest among the groups gnomAD compares: African/African-American, 0.047%; no homozygotes.

Submissions (3):

Labcorp Genetics (formerly Invitae), Labcorp
Classification: Likely benign for Dilated cardiomyopathy 1O. Last evaluated: 2026-01-28. Review status: criteria provided, single submitter. Criteria: Invitae Variant Classification Sherloc (09022015). Collection method: clinical testing. Allele origin: germline.

Women's Health and Genetics/Laboratory Corporation of America, LabCorp
Classification: Benign. Last evaluated: 2023-08-19. Review status: criteria provided, single submitter. Criteria: LabCorp Variant Classification Summary - May 2015. Collection method: clinical testing. Allele origin: germline.

GeneDx
Classification: Likely benign. Last evaluated: 2018-03-05. Review status: criteria provided, single submitter. Criteria: GeneDx Variant Classification (06012015). Collection method: clinical testing. Allele origin: germline. Affected: yes.
Comment: This variant is considered likely benign or benign based on one or more of the following criteria: it is a conservative change, it occurs at a poorly conserved position in the protein, it is predicted to be benign by multiple in silico algorithms, and/or has population frequency not consistent with disease.

NM_020297.4(ABCC9):c.574-18G>A

Gene: ABCC9 (ATP binding cassette subfamily C member 9; minus strand). Cytogenetic location: 12p12.1.
Variant type: single nucleotide variant.
Coding change: c.574-18G>A on transcript NM_020297.4 (MANE Select); 18 bases into the intron before coding-DNA position 574, G replaced by A.
Molecular consequence: intron variant.
Genome position (GRCh38, 1-based): chr12:21,915,928, C>T on the plus strand (G>A on the coding strand, the complement: ABCC9 is on the minus strand). VCF-style: chr12-21915928-C-T. GRCh37 (hg19) VCF-style: chr12-22068862-C-T.
Other names: c.-48-2862G>A (NM_001377274.1); c.574-18G>A (NM_005691.4, NM_001377273.1, NM_005691.3).
Identifiers: ClinVar variation 381008 (VCV000381008.9), dbSNP rs376566343, ClinGen allele CA6481835.
Genomic context (GRCh38, chr12:21,915,928, plus strand): 5'-CAGGAGGCTTTACTTTCTGAGGATTCATGAAAAATACATATCTCTGTGGCAAGAAAAATT[C>T]CACAGTATAACAATTAGTCCAATTATTTTCCACATATTAAAAATAAAATTTCAACCTTTT-3'